The following is an entry in ClinVar:

ClinVar aggregate classification (germline): Uncertain significance (1 of 4 stars; one submission).

Submission:

GeneDx
Classification: Uncertain significance. Last evaluated: 2024-12-03. Review status: criteria provided, single submitter. Criteria: GeneDx Variant Classification Process June 2021. Collection method: clinical testing. Allele origin: germline. Affected: yes.
Comment: Not observed at significant frequency in large population cohorts (gnomAD); In silico analysis indicates that this missense variant does not alter protein structure/function; Has not been previously published as pathogenic or benign to our knowledge

NM_022114.4(PRDM16):c.3136A>C (p.Asn1046His)

Gene: PRDM16 (PR/SET domain 16; plus strand). Cytogenetic location: 1p36.32.
Variant type: single nucleotide variant.
Coding change: c.3136A>C on transcript NM_022114.4 (MANE Select); coding-DNA position 3136, A replaced by C.
Protein change: p.Asn1046His; replaces asparagine 1046 with histidine.
Molecular consequence: missense variant.
Genome position (GRCh38, 1-based): chr1:3,426,077, A>C. VCF-style: chr1-3426077-A-C. GRCh37 (hg19) VCF-style: chr1-3342641-A-C.
Other names: c.3136A>C, p.Asn1046His (NM_199454.3); short protein forms N1046H.
Identifiers: ClinVar variation 3901748 (VCV003901748.1).